The following is an entry in ClinVar:

ClinVar aggregate classification (germline): Benign/Likely benign. Review status: criteria provided, multiple submitters, no conflicts (2 of 4 stars). 4 submissions from 4 submitters: Benign (1); Likely benign (1). 2 of the submissions do not count toward it. Last evaluated 2025-12-22.

Conditions:
GALNT12-related disorder. Also called: GALNT12-related condition.

Allele frequency attached by ClinVar (database versions not stated): gnomAD below 0.00001 and 0.00019; TOPMed 0.00004; gnomAD exomes 0.00035 and 0.00064; ExAC 0.00135; 1000 Genomes Project 0.00140; 1000 Genomes Project 30x 0.00141.
gnomAD v4.1: 547 of 1,589,620 alleles (0.034%); highest among the groups gnomAD compares: South Asian, 0.58%; 4 homozygotes.

Submissions (4):

Labcorp Genetics (formerly Invitae), Labcorp
Classification: Benign. Last evaluated: 2025-12-22. Review status: criteria provided, single submitter. Criteria: Invitae Variant Classification Sherloc (09022015). Collection method: clinical testing. Allele origin: germline.

Ambry Genetics
Classification: Likely benign. Last evaluated: 2025-09-15. Review status: criteria provided, single submitter. Criteria: Ambry Variant Classification Scheme 2023. Collection method: clinical testing. Allele origin: germline.

PreventionGenetics, part of Exact Sciences
Classification: Likely benign for GALNT12-related condition. Last evaluated: 2020-09-11. Review status: no assertion criteria provided. Collection method: clinical testing. Allele origin: germline. Not counted in ClinVar's aggregate classification.
Comment: This variant is classified as likely benign based on ACMG/AMP sequence variant interpretation guidelines (Richards et al. 2015 PMID: 25741868, with internal and published modifications).

Department of Pathology and Laboratory Medicine, Sinai Health System
Classification: Likely benign. Review status: no assertion criteria provided. Collection method: clinical testing. Allele origin: unknown. Affected: yes. Study: The Canadian Open Genetics Repository (COGR). Not counted in ClinVar's aggregate classification.
Comment: The GALNT12 p.Thr225Ser variant was not identified in the literature nor was it identified in Cosmic or LOVD 3.0. The variant was identified in dbSNP (ID: rs531023279) and ClinVar (classified as benign by Invitae and as uncertain significance by Ambry Genetics). The variant was identified in control databases in 131 of 235946 chromosomes at a frequency of 0.0005552 increasing the likelihood this could be a low frequency benign variant (Genome Aggregation Database March 6, 2019, v2.1.1). The variant was observed in the following populations: South Asian in 126 of 26292 chromosomes (freq: 0.004792), Other in 3 of 6288 chromosomes (freq: 0.000477), African in 1 of 20938 chromosomes (freq: 0.000048) and European (non-Finnish) in 1 of 104262 chromosomes (freq: 0.00001), but was not observed in the Latino, Ashkenazi Jewish, East Asian, or European (Finnish) populations. The p.Thr225 residue is not conserved in mammals and computational analyses (PolyPhen-2, SIFT, AlignGVGD, BLOSUM, MutationTaster) provide inconsistent predictions regarding the impact to the protein; this information is not very predictive of pathogenicity. The variant occurs outside of the splicing consensus sequence and in silico or computational prediction software programs (SpliceSiteFinder, MaxEntScan, NNSPLICE, GeneSplicer) do not predict a difference in splicing. In summary, based on the above information the clinical significance of this variant cannot be determined with certainty at this time although we would lean towards a more benign role for this variant. This variant is classified as likely benign.

NM_024642.5(GALNT12):c.673A>T (p.Thr225Ser)

Gene: GALNT12 (polypeptide N-acetylgalactosaminyltransferase 12; plus strand). Cytogenetic location: 9q22.33.
Variant type: single nucleotide variant.
Coding change: c.673A>T on transcript NM_024642.5 (MANE Select); coding-DNA position 673, A replaced by T.
Protein change: p.Thr225Ser; replaces threonine 225 with serine.
Molecular consequence: missense variant.
Genome position (GRCh38, 1-based): chr9:98,826,883, A>T. VCF-style: chr9-98826883-A-T. GRCh37 (hg19) VCF-style: chr9-101589165-A-T.
Other names: short protein forms T225S.
Identifiers: ClinVar variation 416214 (VCV000416214.19), dbSNP rs531023279, ClinGen allele CA5154019.
Genomic context (GRCh38, chr9:98,826,883, plus strand): 5'-AGAGAGGGCCTGGTGCGAGCCCGGCTGCTGGGGGCGTCTGCGGCGAGGGGCGATGTTCTG[A>T]CCTTCCTGGACTGTCACTGTGAGTGCCACGAAGGGTGGCTGGAGCCGCTGCTGCAGAGGT-3'
Protein context (NP_078918.3, residues 215-235): GASAARGDVL[Thr225Ser]FLDCHCECHE